The following is an entry in ClinVar:

ClinVar aggregate classification (germline): Pathogenic (1 of 4 stars; one submission).

Submission:

Labcorp Genetics (formerly Invitae), Labcorp
Classification: Pathogenic. Last evaluated: 2021-04-08. Review status: criteria provided, single submitter. Criteria: Invitae Variant Classification Sherloc (09022015). Collection method: clinical testing. Allele origin: germline.
Comment: This sequence change creates a premature translational stop signal (p.Gln593Hisfs*75) in the LZTR1 gene. It is expected to result in an absent or disrupted protein product. Loss-of-function variants in LZTR1 are known to be pathogenic (PMID: 24362817, 25335493, 25480913, 29469822, 30442762, 30859559). This variant is not present in population databases (ExAC no frequency). This variant has not been reported in the literature in individuals with LZTR1-related conditions. For these reasons, this variant has been classified as Pathogenic.

Literature cited by the submitters: PubMed 24362817; PubMed 25335493; PubMed 25480913; PubMed 29469822; PubMed 30442762; PubMed 30859559.

NM_006767.4(LZTR1):c.1779_1780del (p.Gln593fs)

Gene: LZTR1 (leucine zipper like post translational regulator 1; plus strand). Cytogenetic location: 22q11.21.
Variant type: Deletion.
Coding change: c.1779_1780del on transcript NM_006767.4 (MANE Select); coding-DNA positions 1779 to 1780, 2 bases deleted (AC; older notation c.1779_1780delAC).
Protein change: p.Gln593fs; shifts the reading frame from glutamine 593.
Molecular consequence: frameshift variant.
Genome position (GRCh38, 1-based): chr22:20,994,721-20,994,722, AC deleted. VCF-style (leftmost placement, unchanged base first): chr22-20994720-AAC-A. GRCh37 (hg19) VCF-style: chr22-21349009-AAC-A.
Other names: short protein forms Q593fs.
Identifiers: ClinVar variation 1430266 (VCV001430266.6), dbSNP rs2147968114, ClinGen allele CA2573157829.